The following is an entry in ClinVar:

ClinVar aggregate classification (germline): Uncertain significance (1 of 4 stars; one submission).

Conditions:
Dilated cardiomyopathy 1AA (CMD1AA). Also called: CARDIOMYOPATHY, DILATED, 1AA, WITH OR WITHOUT LEFT VENTRICULAR NONCOMPACTION; CARDIOMYOPATHY, FAMILIAL HYPERTROPHIC, 23, WITH OR WITHOUT LEFT VENTRICULAR NONCOMPACTION; Cardiomyopathy, dilated, 1AA, with or without LVNC. Identifiers: Orphanet 154, MedGen C2677338, MONDO:0012808, OMIM 612158.
Primary familial hypertrophic cardiomyopathy (HCM). Identifiers: Orphanet 99739, MedGen C0949658, MeSH D024741, MONDO:0024573. Inheritance: Various modes of inheritance.

gnomAD v4.1: 1 of 1,614,152 alleles (0.000062%); highest among the groups gnomAD compares: Non-Finnish European, 0.000085%; no homozygotes.

Submission:

Labcorp Genetics (formerly Invitae), Labcorp
Classification: Uncertain significance for Primary familial hypertrophic cardiomyopathy; Dilated cardiomyopathy 1AA. Last evaluated: 2024-02-25. Review status: criteria provided, single submitter. Criteria: Invitae Variant Classification Sherloc (09022015). Collection method: clinical testing. Allele origin: germline.
Comment: This sequence change replaces arginine, which is basic and polar, with serine, which is neutral and polar, at codon 83 of the ACTN2 protein (p.Arg83Ser). This variant is present in population databases (no rsID available, gnomAD 0.0009%). This variant has not been reported in the literature in individuals affected with ACTN2-related conditions. Advanced modeling of protein sequence and biophysical properties (such as structural, functional, and spatial information, amino acid conservation, physicochemical variation, residue mobility, and thermodynamic stability) performed at Invitae indicates that this missense variant is not expected to disrupt ACTN2 protein function with a negative predictive value of 80%. In summary, the available evidence is currently insufficient to determine the role of this variant in disease. Therefore, it has been classified as a Variant of Uncertain Significance.

NM_001103.4(ACTN2):c.249G>T (p.Arg83Ser)

Gene: ACTN2 (actinin alpha 2; plus strand). Cytogenetic location: 1q43.
Variant type: single nucleotide variant.
Coding change: c.249G>T on transcript NM_001103.4 (MANE Select); coding-DNA position 249, G replaced by T.
Protein change: p.Arg83Ser; replaces arginine 83 with serine.
Molecular consequence: missense variant. On other transcripts: non-coding transcript variant (1).
Genome position (GRCh38, 1-based): chr1:236,718,901, G>T. VCF-style: chr1-236718901-G-T. GRCh37 (hg19) VCF-style: chr1-236882201-G-T.
Other names: c.249G>T, p.Arg83Ser (NM_001278343.2); short protein forms R83S.
Identifiers: ClinVar variation 3754931 (VCV003754931.2).